The following is an entry in ClinVar:

NM_000434.4(NEU1):c.615G>A (p.Gln205=)

Gene: NEU1 (neuraminidase 1; minus strand). Cytogenetic location: 6p21.33.
Variant type: single nucleotide variant.
Coding change: c.615G>A on transcript NM_000434.4 (MANE Select); coding-DNA position 615, G replaced by A.
Protein change: p.Gln205=; no amino-acid change (glutamine 205 retained).
Molecular consequence: synonymous variant.
Genome position (GRCh38, 1-based): chr6:31,861,188, C>T on the plus strand (G>A on the coding strand, the complement: NEU1 is on the minus strand). VCF-style: chr6-31861188-C-T. GRCh37 (hg19) VCF-style: chr6-31828965-C-T.
Identifiers: ClinVar variation 499244 (VCV000499244.15), dbSNP rs781137251, ClinGen allele CA3725011.

ClinVar aggregate classification (germline): Conflicting classifications of pathogenicity. Review status: criteria provided, conflicting classifications (1 of 4 stars). 3 submissions from 3 submitters: Pathogenic (2); Uncertain significance (1). Last evaluated 2023-03-29.

Conditions:
Sialidosis type 2. Also called: ML I; NEU DEFICIENCY; NEUG DEFICIENCY; NEURAMINIDASE 1 DEFICIENCY; SIALIDASE DEFICIENCY; SIALIDOSIS, TYPE II. Identifiers: Orphanet 812, Orphanet 87876, MedGen C4282398, MONDO:0009738, OMIM 256550.

Allele frequency attached by ClinVar (database versions not stated): gnomAD exomes below 0.00001 and 0.00001; ExAC 0.00001.
gnomAD v4.1: 4 of 1,611,482 alleles (0.00025%); highest among the groups gnomAD compares: South Asian, 0.0044%; no homozygotes.

Submissions (3):

Labcorp Genetics (formerly Invitae), Labcorp
Classification: Pathogenic. Last evaluated: 2023-03-29. Review status: criteria provided, single submitter. Criteria: Invitae Variant Classification Sherloc (09022015). Collection method: clinical testing. Allele origin: germline.
Comment: This sequence change affects codon 205 of the NEU1 mRNA. It is a 'silent' change, meaning that it does not change the encoded amino acid sequence of the NEU1 protein. This variant also falls at the last nucleotide of exon 3, which is part of the consensus splice site for this exon. This variant is present in population databases (rs781137251, gnomAD 0.01%). This variant has been observed in individuals with clinical features of sialidosis (Invitae). ClinVar contains an entry for this variant (Variation ID: 499244). Variants that disrupt the consensus splice site are a relatively common cause of aberrant splicing (PMID: 17576681, 9536098). Algorithms developed to predict the effect of sequence changes on RNA splicing suggest that this variant may disrupt the consensus splice site. For these reasons, this variant has been classified as Pathogenic.

Victorian Clinical Genetics Services, Murdoch Childrens Research Institute
Classification: Pathogenic for Sialidosis type 2. Last evaluated: 2022-03-31. Review status: criteria provided, single submitter. Criteria: ACMG Guidelines, 2015. Collection method: clinical testing. Allele origin: germline. Inheritance: Autosomal recessive inheritance.
Comment: Based on the classification scheme VCGS_Germline_v1.3.4, this variant is classified as Pathogenic. Following criteria are met: 0102 - Loss of function is a known mechanism of disease in this gene and is associated with sialidosis types I and II (MIM#256550). (I) 0106 - This gene is associated with autosomal recessive disease. (I) 0115 - Variants in this gene are known to have variable expressivity. Type I is milder and presents later onset compared to type II (OMIM, PMID: 35036219). (I) 0210 - Splice site variant proven to affect splicing of the transcript with an effect on protein sequence. Studies using cultured fibroblasts from this individual detected five mis-splicing events all causing nonsense-mediated decay (NMD) and loss of protein (premature termination codon is located at least 54 nucleotides upstream of the final exon-exon junction). The main event detected was the activation of a cryptic donor splice site in exon 3 that is predicted to result in p.Gly203Glufs*30 (Splicing Diagnostics, Kids Neuroscience Centre). (SP) 0252 - This variant is homozygous. (I) 0304 - Variant is present in gnomAD <0.01 (v2) for a recessive condition (3 heterozygotes, 0 homozygotes). (SP) 0702 - Other variants predicted to cause NMD comparable to the one identified in this case have strong previous evidence for pathogenicity (DECIPHER). (SP) 0809 - Previous evidence of pathogenicity for this variant is inconclusive. It has been reported VUS in ClinVar. (I) 0905 - No published segregation evidence has been identified for this variant. (I) 1005 - Clinically accredited laboratory assay specific to gene product shows abnormal protein function. Biochemical studies using cultured fibroblasts from this individual showed zero activity of neuraminidase (Report ID: 397993113). (I) Legend: (SP) - Supporting pathogenic, (I) - Information, (SB) - Supporting benign

Eurofins Ntd Llc (ga)
Classification: Uncertain significance. Last evaluated: 2016-12-20. Review status: criteria provided, single submitter. Criteria: EGL Classification Definitions 2015. Collection method: clinical testing. Allele origin: germline. Observed: 1 variant allele, 1 heterozygote.

Literature cited by the submitters: PubMed 17576681 (cited by Labcorp Genetics (formerly Invitae), Labcorp); PubMed 9536098 (cited by Labcorp Genetics (formerly Invitae), Labcorp); PubMed 11063730 (cited by Victorian Clinical Genetics Services, Murdoch Childrens Research Institute); PubMed 35036219 (cited by Victorian Clinical Genetics Services, Murdoch Childrens Research Institute).